The following is an entry in ClinVar:

ClinVar aggregate classification (germline): Uncertain significance (1 of 4 stars; one submission).

Conditions:
Leber congenital amaurosis 4 (LCA4). Identifiers: MedGen C1858386, MONDO:0011458, OMIM 604393.

Submission:

Labcorp Genetics (formerly Invitae), Labcorp
Classification: Uncertain significance for Leber congenital amaurosis 4. Last evaluated: 2022-01-17. Review status: criteria provided, single submitter. Criteria: Invitae Variant Classification Sherloc (09022015). Collection method: clinical testing. Allele origin: germline.
Comment: In summary, the available evidence is currently insufficient to determine the role of this variant in disease. Therefore, it has been classified as a Variant of Uncertain Significance. Algorithms developed to predict the effect of missense changes on protein structure and function (SIFT, PolyPhen-2, Align-GVGD) all suggest that this variant is likely to be disruptive. This variant has not been reported in the literature in individuals affected with AIPL1-related conditions. This variant is not present in population databases (gnomAD no frequency). This sequence change replaces proline, which is neutral and non-polar, with arginine, which is basic and polar, at codon 159 of the AIPL1 protein (p.Pro159Arg).

NM_014336.5(AIPL1):c.476C>G (p.Pro159Arg)

Gene: AIPL1 (AIP like 1 HSP90 co-chaperone; minus strand). Cytogenetic location: 17p13.2.
Variant type: single nucleotide variant.
Coding change: c.476C>G on transcript NM_014336.5 (MANE Select); coding-DNA position 476, C replaced by G.
Protein change: p.Pro159Arg; replaces proline 159 with arginine.
Molecular consequence: missense variant. On other transcripts: intron variant (1).
Genome position (GRCh38, 1-based): chr17:6,427,047, G>C on the plus strand (C>G on the coding strand, the complement: AIPL1 is on the minus strand). VCF-style: chr17-6427047-G-C. GRCh37 (hg19) VCF-style: chr17-6330367-G-C.
Other names: c.287C>G, p.Pro96Arg (NM_001033054.3); c.296C>G, p.Pro99Arg (NM_001033055.3); c.440C>G, p.Pro147Arg (NM_001285399.3); c.410C>G, p.Pro137Arg (NM_001285400.3); c.476C>G, p.Pro159Arg (NM_001285401.3); c.359C>G, p.Pro120Arg (NM_001285402.2); c.466-14C>G (NM_001285403.4); short protein forms P96R, P99R, P137R, P159R, P120R, P147R.
Identifiers: ClinVar variation 2087406 (VCV002087406.4), dbSNP rs141575827, ClinGen allele CA397395784.